The following is an entry in ClinVar:

ClinVar aggregate classification (germline): Uncertain significance (1 of 4 stars; one submission).

Conditions:
Deafness-lymphedema-leukemia syndrome. Also called: Lymphedema, primary, with myelodysplasia; Emberger syndrome. Identifiers: Orphanet 3226, MedGen C3279664, MONDO:0013540, OMIM 614038.
Monocytopenia with susceptibility to infections. Also called: IMMUNODEFICIENCY 21; MONOCYTOPENIA AND MYCOBACTERIAL INFECTION SYNDROME; MONOCYTOPENIA WITH SUSCEPTIBILITY TO MYCOBACTERIAL, FUNGAL, AND PAPILLOMAVIRUS INFECTIONS AND MYELODYSPLASIA; COMBINED IMMUNODEFICIENCY WITH SUSCEPTIBILITY TO MYCOBACTERIAL, VIRAL, AND FUNGAL INFECTIONS; Dendritic cell, monocyte, B lymphocyte, and natural killer lymphocyte deficiency; GATA2 DEFICIENCY. Identifiers: Orphanet 228423, MedGen C3280030, MONDO:0013607, OMIM 614172.

Submission:

Labcorp Genetics (formerly Invitae), Labcorp
Classification: Uncertain significance for Monocytopenia with susceptibility to infections; Deafness-lymphedema-leukemia syndrome. Last evaluated: 2022-07-13. Review status: criteria provided, single submitter. Criteria: Invitae Variant Classification Sherloc (09022015). Collection method: clinical testing. Allele origin: germline.
Comment: In summary, the available evidence is currently insufficient to determine the role of this variant in disease. Therefore, it has been classified as a Variant of Uncertain Significance. Advanced modeling of protein sequence and biophysical properties (such as structural, functional, and spatial information, amino acid conservation, physicochemical variation, residue mobility, and thermodynamic stability) performed at Invitae indicates that this missense variant is expected to disrupt GATA2 protein function. This variant has not been reported in the literature in individuals affected with GATA2-related conditions. This variant is not present in population databases (gnomAD no frequency). This sequence change replaces leucine, which is neutral and non-polar, with proline, which is neutral and non-polar, at codon 332 of the GATA2 protein (p.Leu332Pro).

NM_032638.5(GATA2):c.995T>C (p.Leu332Pro)

Gene: GATA2 (GATA binding protein 2; minus strand). Cytogenetic location: 3q21.3.
Variant type: single nucleotide variant.
Coding change: c.995T>C on transcript NM_032638.5 (MANE Select); coding-DNA position 995, T replaced by C.
Protein change: p.Leu332Pro; replaces leucine 332 with proline.
Molecular consequence: missense variant.
Genome position (GRCh38, 1-based): chr3:128,483,882, A>G on the plus strand (T>C on the coding strand, the complement: GATA2 is on the minus strand). VCF-style: chr3-128483882-A-G. GRCh37 (hg19) VCF-style: chr3-128202725-A-G.
Other names: c.995T>C, p.Leu332Pro (NM_001145661.2, NM_001145662.1); short protein forms L332P.
Identifiers: ClinVar variation 2016644 (VCV002016644.4), dbSNP rs2472924592, ClinGen allele CA354404309.